The following is an entry in ClinVar:

NM_000161.3(GCH1):c.154G>T (p.Gly52Cys)

Gene: GCH1 (GTP cyclohydrolase 1; minus strand). Cytogenetic location: 14q22.2.
Variant type: single nucleotide variant.
Coding change: c.154G>T on transcript NM_000161.3 (MANE Select); coding-DNA position 154, G replaced by T.
Protein change: p.Gly52Cys; replaces glycine 52 with cysteine.
Molecular consequence: missense variant.
Genome position (GRCh38, 1-based): chr14:54,902,510, C>A on the plus strand (G>T on the coding strand, the complement: GCH1 is on the minus strand). VCF-style: chr14-54902510-C-A. GRCh37 (hg19) VCF-style: chr14-55369228-C-A.
Other names: c.154G>T, p.Gly52Cys (NM_001024024.2, NM_001024070.2, NM_001024071.2 and 1 more transcripts); short protein forms G52C.
Identifiers: ClinVar variation 2926221 (VCV002926221.4), dbSNP rs375788167, ClinGen allele CA389794139.

ClinVar aggregate classification (germline): Uncertain significance. Review status: criteria provided, multiple submitters, no conflicts (2 of 4 stars). 2 submissions from 2 submitters: Uncertain significance (2). Last evaluated 2025-12-01.

Conditions:
GTP cyclohydrolase I deficiency. Identifiers: MedGen C0268467, MONDO:0100184.
Dystonia 5 (DRD). Also called: DYSTONIA, PROGRESSIVE, WITH DIURNAL VARIATION; DYSTONIA-PARKINSONISM WITH DIURNAL FLUCTUATION; GTP Cyclohydrolase 1-Deficient Dopa-Responsive Dystonia; Dystonia, DOPA-responsive, with or without hyperphenylalaninemia; DYT-GCH1. Identifiers: Orphanet 98808, MedGen C1851920, MONDO:0007495, OMIM 128230.

gnomAD v4.1: 4 of 1,598,860 alleles (0.00025%); highest among the groups gnomAD compares: Non-Finnish European, 0.00034%; no homozygotes.

Submissions (2):

Labcorp Genetics (formerly Invitae), Labcorp
Classification: Uncertain significance for GTP cyclohydrolase I deficiency; Dystonia 5. Last evaluated: 2025-12-01. Review status: criteria provided, single submitter. Criteria: Invitae Variant Classification Sherloc (09022015). Collection method: clinical testing. Allele origin: germline.
Comment: This sequence change replaces glycine, which is neutral and non-polar, with cysteine, which is neutral and slightly polar, at codon 52 of the GCH1 protein (p.Gly52Cys). This variant is not present in population databases (gnomAD no frequency). This variant has not been reported in the literature in individuals affected with GCH1-related conditions. ClinVar contains an entry for this variant (Variation ID: 2926221). Invitae Evidence Modeling of protein sequence and biophysical properties (such as structural, functional, and spatial information, amino acid conservation, physicochemical variation, residue mobility, and thermodynamic stability) indicates that this missense variant is not expected to disrupt GCH1 protein function with a negative predictive value of 95%. In summary, the available evidence is currently insufficient to determine the role of this variant in disease. Therefore, it has been classified as a Variant of Uncertain Significance.

Blueprint Genetics
Classification: Uncertain significance. Last evaluated: 2017-12-24. Review status: criteria provided, single submitter. Criteria: ACMG Guidelines, 2015. Collection method: clinical testing. Allele origin: germline.